The following is an entry in ClinVar:

ClinVar aggregate classification (germline): Uncertain significance. Review status: criteria provided, multiple submitters, no conflicts (2 of 4 stars). 2 submissions from 2 submitters: Uncertain significance (2). Last evaluated 2024-02-05.

Conditions:
Inborn genetic diseases. Identifiers: MedGen C0950123, MeSH D030342.

Submissions (2):

Ambry Genetics
Classification: Uncertain significance for Inborn genetic diseases. Last evaluated: 2024-02-05. Review status: criteria provided, single submitter. Criteria: Ambry Variant Classification Scheme 2023. Collection method: clinical testing. Allele origin: germline.

Labcorp Genetics (formerly Invitae), Labcorp
Classification: Uncertain significance. Last evaluated: 2023-05-22. Review status: criteria provided, single submitter. Criteria: Invitae Variant Classification Sherloc (09022015). Collection method: clinical testing. Allele origin: germline.
Comment: This variant has not been reported in the literature in individuals affected with OPA1-related conditions. This variant is not present in population databases (gnomAD no frequency). This sequence change replaces arginine, which is basic and polar, with lysine, which is basic and polar, at codon 207 of the OPA1 protein (p.Arg207Lys). In summary, the available evidence is currently insufficient to determine the role of this variant in disease. Therefore, it has been classified as a Variant of Uncertain Significance. Advanced modeling of protein sequence and biophysical properties (such as structural, functional, and spatial information, amino acid conservation, physicochemical variation, residue mobility, and thermodynamic stability) performed at Invitae indicates that this missense variant is not expected to disrupt OPA1 protein function. ClinVar contains an entry for this variant (Variation ID: 1415488).

NM_130837.3(OPA1):c.674G>A (p.Arg225Lys)

Genes: OPA1-AS1 (OPA1 antisense RNA 1; minus strand), OPA1 (OPA1 mitochondrial dynamin like GTPase; plus strand). Cytogenetic location: 3q29.
Variant type: single nucleotide variant.
Coding change: c.674G>A on transcript NM_130837.3 (MANE Select); coding-DNA position 674, G replaced by A.
Protein change: p.Arg225Lys; replaces arginine 225 with lysine.
Molecular consequence: missense variant.
Genome position (GRCh38, 1-based): chr3:193,618,932, G>A. VCF-style: chr3-193618932-G-A. GRCh37 (hg19) VCF-style: chr3-193336721-G-A.
Other names: c.620G>A (NM_015560.2); c.140G>A, p.Arg47Lys (NM_001354663.2); c.248G>A, p.Arg83Lys (NM_001354664.2); c.620G>A, p.Arg207Lys (NM_015560.3, NM_130836.3); c.512G>A, p.Arg171Lys (NM_130831.3, NM_130833.3); c.566G>A, p.Arg189Lys (NM_130832.3, NM_130835.3); c.674G>A, p.Arg225Lys (NM_130834.3); short protein forms R189K, R207K, R225K, R83K, R171K, R47K.
Identifiers: ClinVar variation 1415488 (VCV001415488.9), dbSNP rs2108889398, ClinGen allele CA355788360.